The following is an entry in ClinVar:

NM_022725.4(FANCF):c.952C>T (p.Pro318Ser)

Genes: FANCF (FA complementation group F; minus strand), LOC130005443 (ATAC-STARR-seq lymphoblastoid active region 4533; plus strand). Cytogenetic location: 11p14.3.
Variant type: single nucleotide variant.
Coding change: c.952C>T on transcript NM_022725.4 (MANE Select); coding-DNA position 952, C replaced by T.
Protein change: p.Pro318Ser; replaces proline 318 with serine.
Molecular consequence: missense variant.
Genome position (GRCh38, 1-based): chr11:22,624,859, G>A on the plus strand (C>T on the coding strand, the complement: FANCF is on the minus strand). VCF-style: chr11-22624859-G-A. GRCh37 (hg19) VCF-style: chr11-22646405-G-A.
Other names: short protein forms P318S.
Identifiers: ClinVar variation 1376822 (VCV001376822.8), dbSNP rs746120363, ClinGen allele CA5924226.

ClinVar aggregate classification (germline): Uncertain significance. Review status: criteria provided, multiple submitters, no conflicts (2 of 4 stars). 3 submissions from 3 submitters: Uncertain significance (3). Last evaluated 2022-08-15.

Conditions:
Fanconi anemia (FA). Also called: Fanconi's anemia. Identifiers: Orphanet 84, MedGen C0015625, MeSH D005199, MONDO:0019391.
Fanconi anemia complementation group F. Also called: FANCF-Related Fanconi Anemia. Identifiers: Orphanet 84, MedGen C3469526, MONDO:0011325, OMIM 603467.

Allele frequency attached by ClinVar (database versions not stated): gnomAD exomes below 0.00001; TOPMed below 0.00001.

Submissions (3):

Labcorp Genetics (formerly Invitae), Labcorp
Classification: Uncertain significance for Fanconi anemia. Last evaluated: 2022-08-15. Review status: criteria provided, single submitter. Criteria: Invitae Variant Classification Sherloc (09022015). Collection method: clinical testing. Allele origin: germline.
Comment: This sequence change replaces proline, which is neutral and non-polar, with serine, which is neutral and polar, at codon 318 of the FANCF protein (p.Pro318Ser). This variant is present in population databases (rs746120363, gnomAD 0.0009%). This variant has not been reported in the literature in individuals affected with FANCF-related conditions. ClinVar contains an entry for this variant (Variation ID: 1376822). Algorithms developed to predict the effect of missense changes on protein structure and function output the following: SIFT: "Tolerated"; PolyPhen-2: "Benign"; Align-GVGD: "Class C0". The serine amino acid residue is found in multiple mammalian species, which suggests that this missense change does not adversely affect protein function. In summary, the available evidence is currently insufficient to determine the role of this variant in disease. Therefore, it has been classified as a Variant of Uncertain Significance.

Revvity Omics, Revvity
Classification: Uncertain significance for Fanconi anemia complementation group F. Last evaluated: 2022-08-10. Review status: criteria provided, single submitter. Criteria: ACMG Guidelines, 2015. Collection method: clinical testing. Allele origin: germline.

Fulgent Genetics
Classification: Uncertain significance for Fanconi anemia complementation group F. Last evaluated: 2021-10-21. Review status: criteria provided, single submitter. Criteria: ACMG Guidelines, 2015. Collection method: clinical testing. Allele origin: unknown.